The following is an entry in ClinVar:

ClinVar aggregate classification (germline): Uncertain significance (1 of 4 stars; one submission).

Submission:

Mayo Clinic Laboratories, Mayo Clinic
Classification: Uncertain significance. Last evaluated: 2024-01-16. Review status: criteria provided, single submitter. Criteria: ACMG Guidelines, 2015. Collection method: clinical testing. Allele origin: germline. Observed: 1 variant allele.
Comment: PM2_moderate

NM_018319.4(TDP1):c.1045G>A (p.Glu349Lys)

Gene: TDP1 (tyrosyl-DNA phosphodiesterase 1; plus strand). Cytogenetic location: 14q32.11.
Variant type: single nucleotide variant.
Coding change: c.1045G>A on transcript NM_018319.4 (MANE Select); coding-DNA position 1045, G replaced by A.
Protein change: p.Glu349Lys; replaces glutamic acid 349 with lysine.
Molecular consequence: missense variant.
Genome position (GRCh38, 1-based): chr14:89,984,676, G>A. VCF-style: chr14-89984676-G-A. GRCh37 (hg19) VCF-style: chr14-90451020-G-A.
Other names: p.Glu349Lys; c.1045G>A, p.Glu349Lys (NM_001008744.2, NM_001330205.2); short protein forms E349K.
Identifiers: ClinVar variation 3380229 (VCV003380229.1).
Genomic context (GRCh38, chr14:89,984,676, plus strand): 5'-GCTTATAATGCCCCTTCTCTCAAGGAGTGGATAGATGTCATTCACAAGCACGATCTCTCT[G>A]AAACAAAGTATGTGTCAGCTTATCAATTTGGGGTGCTTATGATAGGCTTATACCTTGGGA-3'
Protein context (NP_060789.2, residues 339-359): IDVIHKHDLS[Glu349Lys]TNVYLIGSTP